The following is an entry in ClinVar:

NM_025114.4(CEP290):c.2506G>T (p.Glu836Ter)

Gene: CEP290 (centrosomal protein 290; minus strand). Cytogenetic location: 12q21.32.
Variant type: single nucleotide variant.
Coding change: c.2506G>T on transcript NM_025114.4 (MANE Select); coding-DNA position 2506, G replaced by T.
Protein change: p.Glu836Ter; replaces glutamic acid 836 with a stop codon.
Molecular consequence: nonsense.
Genome position (GRCh38, 1-based): chr12:88,107,076, C>A on the plus strand (G>T on the coding strand, the complement: CEP290 is on the minus strand). VCF-style: chr12-88107076-C-A. GRCh37 (hg19) VCF-style: chr12-88500853-C-A.
Other names: short protein forms E836*.
Identifiers: ClinVar variation 1806014 (VCV001806014.3), dbSNP rs2038340977, ClinGen allele CA385972115.
Genomic context (GRCh38, chr12:88,107,076, plus strand): 5'-TAGCATCTTGTTGGACTTGATCCTCAAGTTTTCTCTTTTCCTCTTTTATTGTTTTAGATT[C>A]TGTTTTCCAGGTCTCCTTTTCACTAAAAACAAAACAAAACAAAAAGACAATACTGTAAAC-3'

ClinVar aggregate classification (germline): Pathogenic/Likely pathogenic. Review status: criteria provided, multiple submitters, no conflicts (2 of 4 stars). 3 submissions from 3 submitters: Pathogenic (2); Likely pathogenic (1). Last evaluated 2025-02-19.

Conditions:
Leber congenital amaurosis 10 (LCA10). Identifiers: Orphanet 65, MedGen C1857821, MONDO:0012723, OMIM 611755.
Bardet-Biedl syndrome 14 (BBS14). Identifiers: Orphanet 110, MedGen C2673874, MONDO:0014442, OMIM 615991.
CEP290-related ciliopathy. Also called: CEP290 ciliopathy. Identifiers: MedGen CN305601, MONDO:0100451.

Allele frequency attached by ClinVar (database versions not stated): TOPMed below 0.00001; gnomAD exomes below 0.00001.
gnomAD v4.1: 4 of 1,547,540 alleles (0.00026%); highest among the groups gnomAD compares: South Asian, 0.0012%; no homozygotes.

Submissions (3):

Myriad Genetics, Inc.
Classification: Pathogenic for CEP290-related ciliopathy. Last evaluated: 2025-02-19. Review status: criteria provided, single submitter. Criteria: Myriad Autosomal Dominant, Autosomal Recessive and X-Linked Classification Criteria (2023). Collection method: clinical testing. Allele origin: unknown.
Comment: NM_025114.3(CEP290):c.2506G>T(E836*) is expected to be pathogenic in the context of CEP290-related disorders. This variant is predicted to lead to an abnormal or absent protein product due to the creation of a premature termination codon in CEP290, a gene where loss-of-function variants are known to be pathogenic. Please note: this variant was assessed in the context of healthy population screening.

Baylor Genetics
Classification: Likely pathogenic for Bardet-Biedl syndrome 14. Last evaluated: 2023-12-20. Review status: criteria provided, single submitter. Criteria: ACMG Guidelines, 2015. Collection method: clinical testing. Allele origin: unknown.

Victorian Clinical Genetics Services, Murdoch Childrens Research Institute
Classification: Pathogenic for Leber congenital amaurosis 10. Last evaluated: 2022-09-02. Review status: criteria provided, single submitter. Criteria: ACMG Guidelines, 2015. Collection method: clinical testing. Allele origin: germline. Inheritance: Autosomal recessive inheritance. Affected: yes.
Comment: Based on the classification scheme VCGS_Germline_v1.3.4, this variant is classified as Pathogenic. Following criteria are met: 0102 - Loss of function is a known mechanism of disease in this gene and is associated with Joubert syndrome 5 (MIM#610188), Leber congenital amaurosis 10 (MIM#611755), Meckel syndrome 4 (MIM#611134) and Senior-Loken syndrome 6 (MIM#610189). (I) 0106 - This gene is associated with autosomal recessive disease. (I) 0201 - Variant is predicted to cause nonsense-mediated decay (NMD) and loss of protein (premature termination codon is located at least 54 nucleotides upstream of the final exon-exon junction). (SP) 0251 - This variant is heterozygous. (I) 0301 - Variant is absent from gnomAD (both v2 and v3). (SP) 0701 - Other null variants comparable to the one identified in this case have very strong previous evidence for pathogenicity. There are at least ten NMD-predicted variants that have been classified as pathogenic or likely pathogenic (DECIPHER, ClinVar). (SP) 0807 - This variant has no previous evidence of pathogenicity. (I) 0905 - No published segregation evidence has been identified for this variant. (I) 1007 - No published functional evidence has been identified for this variant. (I) Legend: (SP) - Supporting pathogenic, (I) - Information, (SB) - Supporting benign